The following is an entry in ClinVar:

NM_032119.4(ADGRV1):c.8521A>G (p.Asn2841Asp)

Gene: ADGRV1 (adhesion G protein-coupled receptor V1; plus strand). Cytogenetic location: 5q14.3.
Variant type: single nucleotide variant.
Coding change: c.8521A>G on transcript NM_032119.4 (MANE Select); coding-DNA position 8521, A replaced by G.
Protein change: p.Asn2841Asp; replaces asparagine 2841 with aspartic acid.
Molecular consequence: missense variant. On other transcripts: non-coding transcript variant (1).
Genome position (GRCh38, 1-based): chr5:90,705,534, A>G. VCF-style: chr5-90705534-A-G. GRCh37 (hg19) VCF-style: chr5-90001351-A-G.
Other names: short protein forms N2841D.
Identifiers: ClinVar variation 178949 (VCV000178949.8), dbSNP rs727504560, ClinGen allele CA183366.
Genomic context (GRCh38, chr5:90,705,534, plus strand): 5'-GAACCACATGGAGTTTTAAATTTTGCTCTTTCATCAAGATTTGTGTTACTACAAGAGGCT[A>G]ACATAACAATTCAGCTTTTCATCAACAGAGAATTTGGATCTCTAGGTTTGTGTTACTCTA-3'
Protein context (NP_115495.3, residues 2831-2851): SSRFVLLQEA[Asn2841Asp]ITIQLFINRE

ClinVar aggregate classification (germline): Conflicting classifications of pathogenicity. Review status: criteria provided, conflicting classifications (1 of 4 stars). 3 submissions from 3 submitters: Uncertain significance (1); Likely benign (2). Last evaluated 2025-09-25.

Conditions:
Inborn genetic diseases. Identifiers: MedGen C0950123, MeSH D030342.

Allele frequency attached by ClinVar (database versions not stated): TOPMed below 0.00001; gnomAD 0.00001; gnomAD exomes 0.00001 and 0.00002.
gnomAD v4.1: 9 of 1,613,782 alleles (0.00056%); highest among the groups gnomAD compares: Admixed American, 0.013%; no homozygotes.

Submissions (3):

Ambry Genetics
Classification: Uncertain significance for Inborn genetic diseases. Last evaluated: 2025-09-25. Review status: criteria provided, single submitter. Criteria: Ambry Variant Classification Scheme 2023. Collection method: clinical testing. Allele origin: germline.

Labcorp Genetics (formerly Invitae), Labcorp
Classification: Likely benign. Last evaluated: 2024-01-24. Review status: criteria provided, single submitter. Criteria: Invitae Variant Classification Sherloc (09022015). Collection method: clinical testing. Allele origin: germline.

Laboratory for Molecular Medicine, Mass General Brigham Personalized Medicine
Classification: Likely benign. Last evaluated: 2013-10-01. Review status: criteria provided, single submitter. Criteria: LMM Criteria. Collection method: clinical testing. Allele origin: germline. Observed: 2 variant alleles.
Comment: Asn2841Asp in Exon 37 of GPR98: This variant is not expected to have clinical si gnificance due to a lack of conservation across species, including mammals. Of n ote, guinea pig and microbat have an aspartate (Asp) at this position despite hi gh nearby amino acid conservation. In addition, computational analyses (PolyPhen 2, SIFT, AlignGVGD) do not suggest a high likelihood of impact to the protein.